The following is an entry in ClinVar:

NM_000548.5(TSC2):c.4437_4440delinsTTT (p.Lys1481fs)

Gene: TSC2 (TSC complex subunit 2; plus strand). Cytogenetic location: 16p13.3.
Variant type: Indel.
Coding change: c.4437_4440delinsTTT on transcript NM_000548.5 (MANE Select); coding-DNA positions 4437 to 4440, CTTA replaced by TTT.
Protein change: p.Lys1481fs; shifts the reading frame from lysine 1481.
Molecular consequence: frameshift variant.
Genome position (GRCh38, 1-based): chr16:2,084,659-2,084,662, CTTA replaced by TTT. VCF-style: chr16-2084659-CTTA-TTT. GRCh37 (hg19) VCF-style: chr16-2134660-CTTA-TTT.
Other names: c.4236_4239delinsTTT, p.Lys1414fs (NM_001077183.3); c.4368_4371delinsTTT, p.Lys1458fs (NM_001114382.3); c.4128_4131delinsTTT, p.Lys1378fs (NM_001318827.2); c.4092_4095delinsTTT, p.Lys1366fs (NM_001318829.2); c.3705_3708delinsTTT, p.Lys1237fs (NM_001318831.2); c.4269_4272delinsTTT, p.Lys1425fs (NM_001318832.2); c.4239_4242delinsTTT, p.Lys1415fs (NM_001363528.2); c.4305_4308delinsTTT, p.Lys1437fs (NM_001370404.1); and 1 more; short protein forms K1437fs, K1481fs, K1237fs, K1378fs, K1414fs, K1425fs, K1438fs, K1366fs.
Identifiers: ClinVar variation 535921 (VCV000535921.5), dbSNP rs1555514548, ClinGen allele CA658798484.

ClinVar aggregate classification (germline): Pathogenic (1 of 4 stars; one submission).

Conditions:
Tuberous sclerosis 2 (TSC2). Identifiers: Orphanet 805, MedGen C1860707, MONDO:0013199, OMIM 613254.

Submission:

Labcorp Genetics (formerly Invitae), Labcorp
Classification: Pathogenic for Tuberous sclerosis 2. Last evaluated: 2017-10-12. Review status: criteria provided, single submitter. Criteria: Invitae Variant Classification Sherloc (09022015). Collection method: clinical testing. Allele origin: germline.
Comment: For these reasons, this variant has been classified as Pathogenic. This sequence change deletes 4 nucleotides and inserts 3 nucleotides from exon 34 of the TSC2 mRNA (c.4437_4440delinsTTT), causing a frameshift at codon 1481. This creates a premature translational stop signal (p.Lys1481Argfs*95) and is expected to result in an absent or disrupted protein product. This variant is not present in population databases (ExAC no frequency). This variant has not been reported in the literature in individuals with TSC2-related disease. Loss-of-function variants in TSC2 are known to be pathogenic (PMID: 10205261, 17304050).

Literature cited by the submitters: PubMed 10205261; PubMed 17304050.